The following is an entry in ClinVar:

NM_033305.3(VPS13A):c.6291T>C (p.Asp2097=)

Gene: VPS13A (vacuolar protein sorting 13 homolog A; plus strand). Cytogenetic location: 9q21.2.
Variant type: single nucleotide variant.
Coding change: c.6291T>C on transcript NM_033305.3 (MANE Select); coding-DNA position 6291, T replaced by C.
Protein change: p.Asp2097=; no amino-acid change (aspartic acid 2097 retained).
Molecular consequence: synonymous variant.
Genome position (GRCh38, 1-based): chr9:77,337,450, T>C. VCF-style: chr9-77337450-T-C. GRCh37 (hg19) VCF-style: chr9-79952366-T-C.
Other names: c.6174T>C, p.Asp2058= (NM_001018037.2); c.6291T>C, p.Asp2097= (NM_001018038.3, NM_015186.4).
Identifiers: ClinVar variation 1597597 (VCV001597597.33), dbSNP rs531944097, ClinGen allele CA5092983.

ClinVar aggregate classification (germline): Likely benign. Review status: criteria provided, multiple submitters, no conflicts (2 of 4 stars). 3 submissions from 3 submitters: Likely benign (3). Last evaluated 2026-01-26.

Allele frequency attached by ClinVar (database versions not stated): gnomAD 0.00001; ExAC 0.00002; gnomAD exomes 0.00002; TOPMed 0.00002.
gnomAD v4.1: 37 of 1,613,318 alleles (0.0023%); highest among the groups gnomAD compares: Non-Finnish European, 0.0031%; no homozygotes.

Submissions (3):

Labcorp Genetics (formerly Invitae), Labcorp
Classification: Likely benign. Last evaluated: 2026-01-26. Review status: criteria provided, single submitter. Criteria: Invitae Variant Classification Sherloc (09022015). Collection method: clinical testing. Allele origin: germline.

Blueprint Genetics
Classification: Likely benign. Last evaluated: 2024-09-03. Review status: criteria provided, single submitter. Criteria: ACMG Guidelines, 2015. Collection method: clinical testing. Allele origin: germline.

CeGaT Center for Human Genetics Tuebingen
Classification: Likely benign. Last evaluated: 2022-05-01. Review status: criteria provided, single submitter. Criteria: CeGaT Center For Human Genetics Tuebingen Variant Classification Criteria Version 2. Collection method: clinical testing. Allele origin: germline. Affected: yes. Observed: 1 variant allele.
Comment: VPS13A: BP4, BP7